The following is an entry in ClinVar:

NM_023110.3(FGFR1):c.-88-4970T>G

Gene: FGFR1 (fibroblast growth factor receptor 1; minus strand). Cytogenetic location: 8p11.23.
Variant type: single nucleotide variant.
Coding change: c.-88-4970T>G on transcript NM_023110.3 (MANE Select); 4970 bases into the intron before 88 bases upstream of the start codon, T replaced by G.
Molecular consequence: intron variant.
Genome position (GRCh38, 1-based): chr8:38,462,504, A>C on the plus strand (T>G on the coding strand, the complement: FGFR1 is on the minus strand). VCF-style: chr8-38462504-A-C. GRCh37 (hg19) VCF-style: chr8-38320022-A-C.
Other names: c.-88-4970T>G (NM_001354368.2, NM_001354370.2, NM_023106.3 and 8 more transcripts); c.-180-4970T>G (NM_001174064.2); c.-149-1249T>G (NM_001174067.2).
Identifiers: ClinVar variation 2658556 (VCV002658556.24), dbSNP rs544790957, ClinGen allele CA175775073.

ClinVar aggregate classification (germline): Likely benign (1 of 4 stars; one submission).

Allele frequency attached by ClinVar (database versions not stated): 1000 Genomes Project 30x 0.00078; 1000 Genomes Project 0.00080; gnomAD 0.00311; TOPMed 0.00327.
gnomAD v4.1: 468 of 151,376 alleles (0.31%); highest among the groups gnomAD compares: Non-Finnish European, 0.53%; 1 homozygote.

Submission:

CeGaT Center for Human Genetics Tuebingen
Classification: Likely benign. Last evaluated: 2026-09-01. Review status: criteria provided, single submitter. Criteria: CeGaT Center For Human Genetics Tuebingen Variant Classification Criteria Version 2. Collection method: clinical testing. Allele origin: germline. Affected: yes. Observed: 15 variant alleles.
Comment: FGFR1: BS1